The following is an entry in ClinVar:

NM_004525.3(LRP2):c.10937G>A (p.Arg3646His)

Gene: LRP2 (LDL receptor related protein 2; minus strand). Cytogenetic location: 2q31.1.
Variant type: single nucleotide variant.
Coding change: c.10937G>A on transcript NM_004525.3 (MANE Select); coding-DNA position 10937, G replaced by A.
Protein change: p.Arg3646His; replaces arginine 3646 with histidine.
Molecular consequence: missense variant.
Genome position (GRCh38, 1-based): chr2:169,173,996, C>T on the plus strand (G>A on the coding strand, the complement: LRP2 is on the minus strand). VCF-style: chr2-169173996-C-T. GRCh37 (hg19) VCF-style: chr2-170030506-C-T.
Other names: short protein forms R3646H.
Identifiers: ClinVar variation 74222 (VCV000074222.54), dbSNP rs142549310, ClinGen allele CA1953212.

ClinVar aggregate classification (germline): Conflicting classifications of pathogenicity. Review status: criteria provided, conflicting classifications (1 of 4 stars). 12 submissions from 12 submitters: Uncertain significance (1); Benign (2); Likely benign (5). 4 of the submissions do not count toward it. Last evaluated 2026-07-01.

Conditions:
Inborn genetic diseases. Identifiers: MedGen C0950123, MeSH D030342.
LRP2-related disorder. Also called: LRP2-related condition.
Donnai-Barrow syndrome. Also called: DBS/FOAR SYNDROME; FACIOOCULOACOUSTICORENAL SYNDROME. Identifiers: Orphanet 2143, MedGen C1857277, MONDO:0009104, OMIM 222448.

Allele frequency attached by ClinVar (database versions not stated): gnomAD 0.00298 and 0.00281; 1000 Genomes Project 30x 0.00016; 1000 Genomes Project 0.00020; TOPMed 0.00147; ExAC 0.00218; gnomAD exomes 0.00238 and 0.00252; ESP Exome Variant Server 0.00254.
gnomAD v4.1: 4,055 of 1,614,204 alleles (0.25%); highest among the groups gnomAD compares: Non-Finnish European, 0.27%; 15 homozygotes.

Submissions (12):

CeGaT Center for Human Genetics Tuebingen
Classification: Likely benign. Last evaluated: 2026-07-01. Review status: criteria provided, single submitter. Criteria: CeGaT Center For Human Genetics Tuebingen Variant Classification Criteria Version 2. Collection method: clinical testing. Allele origin: germline. Affected: yes. Observed: 17 variant alleles.
Comment: LRP2: BS2

Labcorp Genetics (formerly Invitae), Labcorp
Classification: Benign. Last evaluated: 2026-01-28. Review status: criteria provided, single submitter. Criteria: Invitae Variant Classification Sherloc (09022015). Collection method: clinical testing. Allele origin: germline.

GeneDx
Classification: Likely benign. Last evaluated: 2025-01-15. Review status: criteria provided, single submitter. Criteria: GeneDx Variant Classification Process June 2021. Collection method: clinical testing. Allele origin: germline. Affected: yes.
Comment: See Variant Classification Assertion Criteria.

Blueprint Genetics
Classification: Likely benign. Last evaluated: 2024-11-26. Review status: criteria provided, single submitter. Criteria: ACMG Guidelines, 2015. Collection method: clinical testing. Allele origin: germline.

Genome-Nilou Lab
Classification: Likely benign for Donnai-Barrow syndrome. Last evaluated: 2021-07-15. Review status: criteria provided, single submitter. Criteria: ACMG Guidelines, 2015. Collection method: clinical testing. Allele origin: germline. Affected: no.

Institute of Human Genetics, University of Leipzig Medical Center
Classification: Uncertain significance for Donnai-Barrow syndrome. Last evaluated: 2019-01-01. Review status: criteria provided, single submitter. Criteria: ACMG Guidelines, 2015. Collection method: clinical testing. Allele origin: unknown. Affected: yes.

Ambry Genetics
Classification: Likely benign for Inborn genetic diseases. Last evaluated: 2018-12-13. Review status: criteria provided, single submitter. Criteria: Ambry exome assertion method (8-5-2015). Collection method: clinical testing. Allele origin: germline. Affected: yes. Observed: 1 variant allele.

Illumina Laboratory Services, Illumina
Classification: Benign for Donnai-Barrow syndrome. Last evaluated: 2017-08-05. Review status: criteria provided, single submitter. Criteria: ICSL Variant Classification Criteria 13 December 2019. Collection method: clinical testing. Allele origin: germline.
Comment: This variant was observed as part of a predisposition screen in an ostensibly healthy population. A literature search was performed for the gene, cDNA change, and amino acid change (where applicable). Publications were found based on this search. The evidence from the literature, in combination with allele frequency data from public databases where available, was sufficient to rule this variant out of causing disease. Therefore, this variant is classified as benign.

PreventionGenetics, part of Exact Sciences
Classification: Benign for LRP2-related condition. Last evaluated: 2019-05-29. Review status: no assertion criteria provided. Collection method: clinical testing. Allele origin: germline. Not counted in ClinVar's aggregate classification.
Comment: This variant is classified as benign based on ACMG/AMP sequence variant interpretation guidelines (Richards et al. 2015 PMID: 25741868, with internal and published modifications).

Clinical Genetics DNA and cytogenetics Diagnostics Lab, Erasmus MC, Erasmus Medical Center
Classification: Likely benign. Review status: no assertion criteria provided. Collection method: clinical testing. Allele origin: germline. Affected: yes. Study: VKGL Data-share Consensus. Not counted in ClinVar's aggregate classification.

Diagnostic Laboratory, Department of Genetics, University Medical Center Groningen
Classification: Likely benign. Review status: no assertion criteria provided. Collection method: clinical testing. Allele origin: germline. Affected: yes. Study: VKGL Data-share Consensus. Not counted in ClinVar's aggregate classification.

Laboratory of Diagnostic Genome Analysis, Leiden University Medical Center (LUMC)
Classification: Likely benign. Review status: no assertion criteria provided. Collection method: clinical testing. Allele origin: germline. Affected: yes. Study: VKGL Data-share Consensus. Not counted in ClinVar's aggregate classification.

Literature cited by the submitters: PubMed 24406863 (cited by Illumina Laboratory Services, Illumina); PubMed 25158045 (cited by Illumina Laboratory Services, Illumina).